The following is an entry in ClinVar:

ClinVar aggregate classification (germline): Likely pathogenic (1 of 4 stars; one submission).

Conditions:
Glycogen storage disease type III (GSD3). Also called: FORBES DISEASE; Cori disease. Identifiers: Orphanet 366, MedGen C0017922, MONDO:0009291, OMIM 232400.

Submission:

Myriad Genetics, Inc.
Classification: Likely pathogenic for Glycogen storage disease type III. Last evaluated: 2022-04-18. Review status: criteria provided, single submitter. Criteria: Myriad Women's Health Autosomal Recessive and X-Linked Classification Criteria (2021). Collection method: clinical testing. Allele origin: unknown.
Comment: NM_000642.2(AGL):c.2196_2197delAAinsGTAT(T733Yfs*44) is expected to be pathogenic in the context of glycogen storage disease type III. This variant is predicted to lead to an abnormal or absent protein product due to the creation of a premature termination codon in AGL, a gene where loss-of-function variants are known to be pathogenic. Please note: this variant was assessed in the context of healthy population screening.

NM_000642.3(AGL):c.2196_2197delinsGTAT (p.Thr733fs)

Gene: AGL (amylo-alpha-1,6-glucosidase and 4-alpha-glucanotransferase; plus strand). Cytogenetic location: 1p21.2.
Variant type: Indel.
Coding change: c.2196_2197delinsGTAT on transcript NM_000642.3 (MANE Select); coding-DNA positions 2196 to 2197, AA replaced by GTAT.
Protein change: p.Thr733fs; shifts the reading frame from threonine 733.
Molecular consequence: frameshift variant.
Genome position (GRCh38, 1-based): chr1:99,881,579-99,881,580, AA replaced by GTAT. VCF-style: chr1-99881579-AA-GTAT. GRCh37 (hg19) VCF-style: chr1-100347135-AA-GTAT.
Other names: c.2196_2197delAAinsGTAT, p.Thr733Tyrfs (NM_000028.3, NM_000643.3, NM_000644.3 and 2 more transcripts); c.2148_2149delAAinsGTAT, p.Thr717Tyrfs (NM_000646.3); c.1995_1996delAAinsGTAT, p.Thr666Tyrfs (NM_001425327.1); c.1992_1993delAAinsGTAT, p.Thr665Tyrfs (NM_001425328.1, NM_001425329.1); c.1818_1819delAAinsGTAT, p.Thr607Tyrfs (NM_001425332.1); short protein forms T717fs, T733fs.
Identifiers: ClinVar variation 1725936 (VCV001725936.2), dbSNP rs2524653783, ClinGen allele CA2580063416.
Genomic context (GRCh38, chr1:99,881,579, plus strand): 5'-AGTTGTTCTTTCTGCTTCTCAGGTGTATGTGGATCAAGTTGATGAAGACATAGTGGCAGT[AA>GTAT]CAAGACACTCACCTAGCATCCATCAGTCTGTTGTGGCTGTATCTAGAACTGCTTTCAGGA-3'